The following is an entry in ClinVar:

NM_001127178.3(PIGG):c.422C>T (p.Ala141Val)

Gene: PIGG (phosphatidylinositol glycan anchor biosynthesis class G (EMM blood group); plus strand). Cytogenetic location: 4p16.3.
Variant type: single nucleotide variant.
Coding change: c.422C>T on transcript NM_001127178.3 (MANE Select); coding-DNA position 422, C replaced by T.
Protein change: p.Ala141Val; replaces alanine 141 with valine.
Molecular consequence: missense variant. On other transcripts: 5 prime UTR variant (4), non-coding transcript variant (10), intron variant (1).
Genome position (GRCh38, 1-based): chr4:505,779, C>T. VCF-style: chr4-505779-C-T. GRCh37 (hg19) VCF-style: chr4-499568-C-T.
Other names: c.155C>T, p.Ala52Val (NM_001289051.2, NM_001289053.2, NM_001289057.2 and 2 more transcripts); c.56C>T, p.Ala19Val (NM_001289055.2); c.-466C>T (NM_001345988.2); c.422C>T, p.Ala141Val (NM_001345989.2, NM_017733.5); c.-1204C>T (NM_001345990.2); c.-1066C>T (NM_001345991.2); c.-791C>T (NM_001345994.2); c.361-3050C>T (NM_001289052.2); short protein forms A141V, A52V, A19V.
Identifiers: ClinVar variation 476349 (VCV000476349.18), dbSNP rs116772777, ClinGen allele CA2793001.

ClinVar aggregate classification (germline): Conflicting classifications of pathogenicity. Review status: criteria provided, conflicting classifications (1 of 4 stars). 5 submissions from 5 submitters: Uncertain significance (1); Likely benign (3). 1 of the submissions does not count toward it. Last evaluated 2026-01-28.

Conditions:
PIGG-related disorder. Also called: PIGG-related condition.
Intellectual disability, autosomal recessive 53 (NEDHSCA). Also called: GLYCOSYLPHOSPHATIDYLINOSITOL BIOSYNTHESIS DEFECT 13; Mental retardation, autosomal recessive 53; NEURODEVELOPMENTAL DISORDER WITH OR WITHOUT HYPOTONIA, SEIZURES, AND CEREBELLAR ATROPHY. Identifiers: Orphanet 488635, MedGen C4310794, MONDO:0014832, OMIM 616917.
Inborn genetic diseases. Identifiers: MedGen C0950123, MeSH D030342.

Allele frequency attached by ClinVar (database versions not stated): gnomAD exomes 0.00017 and 0.00045; ExAC 0.00058; gnomAD 0.00214 and 0.00227; TOPMed 0.00218; 1000 Genomes Project 30x 0.00219; 1000 Genomes Project 0.00220; ESP Exome Variant Server 0.00261.
gnomAD v4.1: 580 of 1,613,554 alleles (0.036%); highest among the groups gnomAD compares: African/African-American, 0.71%; 2 homozygotes.

Submissions (5):

Labcorp Genetics (formerly Invitae), Labcorp
Classification: Likely benign for Intellectual disability, autosomal recessive 53. Last evaluated: 2026-01-28. Review status: criteria provided, single submitter. Criteria: Invitae Variant Classification Sherloc (09022015). Collection method: clinical testing. Allele origin: germline.

Blueprint Genetics
Classification: Likely benign. Last evaluated: 2024-08-12. Review status: criteria provided, single submitter. Criteria: ACMG Guidelines, 2015. Collection method: clinical testing. Allele origin: germline.

Ambry Genetics
Classification: Likely benign for Inborn genetic diseases. Last evaluated: 2021-09-17. Review status: criteria provided, single submitter. Criteria: Ambry Variant Classification Scheme 2023. Collection method: clinical testing. Allele origin: germline.

Baylor Genetics
Classification: Uncertain significance for Intellectual disability, autosomal recessive 53. Last evaluated: 2018-05-27. Review status: criteria provided, single submitter. Criteria: ACMG Guidelines, 2015. Collection method: clinical testing. Allele origin: unknown. Affected: yes.
Comment: This variant was determined to be of uncertain significance according to ACMG Guidelines, 2015 [PMID:25741868].

PreventionGenetics, part of Exact Sciences
Classification: Likely benign for PIGG-related condition. Last evaluated: 2021-04-09. Review status: no assertion criteria provided. Collection method: clinical testing. Allele origin: germline. Not counted in ClinVar's aggregate classification.
Comment: This variant is classified as likely benign based on ACMG/AMP sequence variant interpretation guidelines (Richards et al. 2015 PMID: 25741868, with internal and published modifications).